The following is an entry in ClinVar:

ClinVar aggregate classification (germline): Uncertain significance. Review status: criteria provided, multiple submitters, no conflicts (2 of 4 stars). 3 submissions from 3 submitters: Uncertain significance (3). Last evaluated 2025-03-02.

Allele frequency attached by ClinVar (database versions not stated): gnomAD exomes 0.00002 and 0.00009; TOPMed 0.00003; gnomAD 0.00004 and 0.00005.
gnomAD v4.1: 130 of 1,614,066 alleles (0.0081%); highest among the groups gnomAD compares: Non-Finnish European, 0.011%; no homozygotes.

Submissions (3):

Ambry Genetics
Classification: Uncertain significance. Last evaluated: 2025-03-02. Review status: criteria provided, single submitter. Criteria: Ambry Variant Classification Scheme 2023. Collection method: clinical testing. Allele origin: germline.
Comment: The p.D380G variant (also known as c.1139A>G), located in coding exon 9 of the FAM175A gene, results from an A to G substitution at nucleotide position 1139. The aspartic acid at codon 380 is replaced by glycine, an amino acid with similar properties. This amino acid position is conserved. In addition, this alteration is predicted to be tolerated by in silico analysis. Since supporting evidence is limited at this time, the clinical significance of this alteration remains unclear.

Labcorp Genetics (formerly Invitae), Labcorp
Classification: Uncertain significance. Last evaluated: 2023-08-10. Review status: criteria provided, single submitter. Criteria: Invitae Variant Classification Sherloc (09022015). Collection method: clinical testing. Allele origin: germline.
Comment: This sequence change replaces aspartic acid, which is acidic and polar, with glycine, which is neutral and non-polar, at codon 380 of the ABRAXAS1 protein (p.Asp380Gly). In summary, the available evidence is currently insufficient to determine the role of this variant in disease. Therefore, it has been classified as a Variant of Uncertain Significance. An algorithm developed to predict the effect of missense changes on protein structure and function (PolyPhen-2) suggests that this variant is likely to be tolerated. ClinVar contains an entry for this variant (Variation ID: 128217). This missense change has been observed in individual(s) with early-onset breast cancer (PMID: 25503501). This variant is present in population databases (rs587780264, gnomAD 0.005%).

GeneDx
Classification: Uncertain significance. Last evaluated: 2013-12-23. Review status: criteria provided, single submitter. Criteria: GeneDx Variant Classification (06012015). Collection method: clinical testing. Allele origin: germline. Affected: yes.
Comment: FAM175A has been only recently described in association with cancer predisposition and the risks are not well understood. This variant is denoted FAM175A c.1139A>G at the cDNA level and p.Asp380Gly (D380G) at the protein level, and results in the change of an Aspartic acid to a Glycine (GAT>GGT). This variant has not, to our knowledge, been published in the literature as pathogenic or benign. FAM175A Asp380Gly was not observed in approximately 6,500 individuals of European and African American ancestry in the NHLBI Exome Sequencing Project, suggesting it is not a common benign variant in these populations. This variant is a non-conservative replacement of a negative polar amino acid with a neutral non-polar one, altering a position that is poorly conserved throughout evolution, and is not located in a known functional domain. In silico analyses predict this variant to have a benign effect on protein structure and function. On a molecular level, the impact of this missense variant on protein structure and function is not known and thus we consider this to be a variant of uncertain significance. Furthermore, based on the currently available information, cancer risks associated with this variant, and the FAM175A gene, remain unclear.

Literature cited by the submitters: PubMed 25503501 (cited by Labcorp Genetics (formerly Invitae), Labcorp).

NM_139076.3(ABRAXAS1):c.1139A>G (p.Asp380Gly)

Gene: ABRAXAS1 (abraxas 1, BRCA1 A complex subunit; minus strand). Cytogenetic location: 4q21.23.
Variant type: single nucleotide variant.
Coding change: c.1139A>G on transcript NM_139076.3 (MANE Select); coding-DNA position 1139, A replaced by G.
Protein change: p.Asp380Gly; replaces aspartic acid 380 with glycine.
Molecular consequence: missense variant.
Genome position (GRCh38, 1-based): chr4:83,462,560, T>C on the plus strand (A>G on the coding strand, the complement: ABRAXAS1 is on the minus strand). VCF-style: chr4-83462560-T-C. GRCh37 (hg19) VCF-style: chr4-84383713-T-C.
Other names: p.D380G:GAT>GGT; c.812A>G, p.Asp271Gly (NM_001345962.2); short protein forms D380G, D271G.
Identifiers: ClinVar variation 128217 (VCV000128217.16), dbSNP rs587780264, ClinGen allele CA288637.